The following is an entry in ClinVar:

ClinVar aggregate classification (germline): Pathogenic. Review status: reviewed by expert panel (3 of 4 stars). 3 submissions from 3 submitters: Pathogenic (1). 2 of the submissions do not count toward it. Last evaluated 2016-09-08.

Conditions:
Hereditary breast ovarian cancer syndrome. Also called: BRCA1- and BRCA2-Associated Hereditary Breast and Ovarian Cancer; Hereditary breast and ovarian cancer syndrome; Hereditary breast and ovarian cancer syndrome (HBOC); Breast and ovarian cancer; Hereditary breast and/or ovarian cancer syndrome; Hereditary breast and ovarian cancer. Identifiers: Orphanet 145, MedGen C0677776, MeSH D061325, MONDO:0003582. Disease mechanism: loss of function.
Breast-ovarian cancer, familial, susceptibility to, 1 (BROVCA1). Also called: BRCA1 Hereditary Breast and Ovarian Cancer; OVARIAN CANCER, SUSCEPTIBILITY TO. Identifiers: Orphanet 145, MedGen C2676676, MONDO:0011450, OMIM 604370. Disease mechanism: loss of function.

Submissions (3):

Evidence-based Network for the Interpretation of Germline Mutant Alleles (ENIGMA)
Classification: Pathogenic for Breast-ovarian cancer, familial, susceptibility to, 1. Last evaluated: 2016-09-08. Review status: reviewed by expert panel. Criteria: ENIGMA BRCA1/2 Classification Criteria (2015). Collection method: curation. Allele origin: germline.
Comment: Variant allele predicted to encode a truncated non-functional protein.

Labcorp Genetics (formerly Invitae), Labcorp
Classification: Pathogenic for Hereditary breast ovarian cancer syndrome. Last evaluated: 2024-05-31. Review status: criteria provided, single submitter. Criteria: Invitae Variant Classification Sherloc (09022015). Collection method: clinical testing. Allele origin: germline. Not counted in ClinVar's aggregate classification.
Comment: This sequence change creates a premature translational stop signal (p.Thr582Argfs*6) in the BRCA1 gene. It is expected to result in an absent or disrupted protein product. Loss-of-function variants in BRCA1 are known to be pathogenic (PMID: 20104584). This variant is not present in population databases (gnomAD no frequency). This variant has not been reported in the literature in individuals affected with BRCA1-related conditions. This variant is also known as 1863delA. ClinVar contains an entry for this variant (Variation ID: 91561). For these reasons, this variant has been classified as Pathogenic.

Sharing Clinical Reports Project (SCRP)
Classification: Pathogenic for Breast-ovarian cancer, familial 1. Last evaluated: 2009-06-08. Review status: no assertion criteria provided. Collection method: clinical testing. Allele origin: germline. Not counted in ClinVar's aggregate classification.

Literature cited by the submitters: PubMed 20104584 (cited by Labcorp Genetics (formerly Invitae), Labcorp).

NM_007294.4(BRCA1):c.1744del (p.Thr582fs)

Gene: BRCA1 (BRCA1 DNA repair associated; minus strand). Cytogenetic location: 17q21.31.
Variant type: Deletion.
Coding change: c.1744del on transcript NM_007294.4 (MANE Select); coding-DNA position 1744, one base deleted (A; older notation c.1744delA).
Protein change: p.Thr582fs; shifts the reading frame from threonine 582.
Molecular consequence: frameshift variant. On other transcripts: intron variant (137).
Genome position (GRCh38, 1-based): chr17:43,093,787, T deleted on the plus strand (A on the coding strand, the reverse complement: BRCA1 is on the minus strand); the first of 4 consecutive T bases (chr17:43,093,787-43,093,790); deleting any one gives the same sequence. VCF-style (leftmost placement, unchanged base first): chr17-43093786-GT-G. GRCh37 (hg19) VCF-style: chr17-41245803-GT-G.
Other names: 1863delA; c.1531del, p.Thr511fs (NM_001407571.1, NM_001407853.1, NM_001407894.1 and 9 more transcripts); c.1744del, p.Thr582fs (NM_001407581.1, NM_001407582.1, NM_001407583.1 and 30 more transcripts); c.1741del, p.Thr581fs (NM_001407587.1, NM_001407610.1, NM_001407611.1 and 22 more transcripts); c.1735del, p.Thr579fs (NM_001407646.1, NM_001407647.1); c.1621del, p.Thr541fs (NM_001407648.1, NM_001407664.1, NM_001407665.1 and 19 more transcripts); c.1618del, p.Thr540fs (NM_001407649.1, NM_001407670.1, NM_001407671.1 and 11 more transcripts); c.1666del, p.Thr556fs (NM_001407653.1, NM_001407654.1, NM_001407655.1 and 4 more transcripts); and 42 more; short protein forms T582fs, T535fs, T286fs, T471fs, T515fs, T540fs, T455fs, T514fs.
Identifiers: ClinVar variation 91561 (VCV000091561.5), dbSNP rs398122641, ClinGen allele CA001142.